The following is an entry in ClinVar:

ClinVar aggregate classification (germline): Likely pathogenic (1 of 4 stars; one submission).

Conditions:
Episodic ataxia type 1 (EA1). Also called: Episodic ataxia/myokymia syndrome; ATAXIA, EPISODIC, WITH MYOKYMIA; PAROXYSMAL ATAXIA WITH NEUROMYOTONIA, HEREDITARY; MYOKYMIA WITH PERIODIC ATAXIA. Identifiers: Orphanet 37612, Orphanet 972, MedGen C1719788, MONDO:0008047, OMIM 160120.

Submission:

Institute of Human Genetics, University of Leipzig Medical Center
Classification: Likely pathogenic for Episodic ataxia type 1. Last evaluated: 2026-03-19. Review status: criteria provided, single submitter. Criteria: ACMG Guidelines, 2015. Collection method: clinical testing. Allele origin: unknown. Inheritance: Autosomal dominant inheritance. Affected: yes.
Comment: Criteria applied: PM1,PM2,PS1_MOD,PP2,PP3

NM_000217.3(KCNA1):c.966T>G (p.Ser322Arg)

Gene: KCNA1 (potassium voltage-gated channel subfamily A member 1; plus strand). Cytogenetic location: 12p13.32.
Variant type: single nucleotide variant.
Coding change: c.966T>G on transcript NM_000217.3 (MANE Select); coding-DNA position 966, T replaced by G.
Protein change: p.Ser322Arg; replaces serine 322 with arginine.
Molecular consequence: missense variant.
Genome position (GRCh38, 1-based): chr12:4,912,344, T>G. VCF-style: chr12-4912344-T-G. GRCh37 (hg19) VCF-style: chr12-5021510-T-G.
Other names: short protein forms S322R.
Identifiers: ClinVar variation 4845373 (VCV004845373.1).